The following is an entry in ClinVar:

NM_006231.4(POLE):c.5502C>A (p.Asp1834Glu)

Gene: POLE (DNA polymerase epsilon, catalytic subunit; minus strand). Cytogenetic location: 12q24.33.
Variant type: single nucleotide variant.
Coding change: c.5502C>A on transcript NM_006231.4 (MANE Select); coding-DNA position 5502, C replaced by A.
Protein change: p.Asp1834Glu; replaces aspartic acid 1834 with glutamic acid.
Molecular consequence: missense variant.
Genome position (GRCh38, 1-based): chr12:132,639,175, G>T on the plus strand (C>A on the coding strand, the complement: POLE is on the minus strand). VCF-style: chr12-132639175-G-T. GRCh37 (hg19) VCF-style: chr12-133215761-G-T.
Other names: short protein forms D1834E.
Identifiers: ClinVar variation 2988689 (VCV002988689.3), dbSNP rs1555221903, ClinGen allele CA387374635.
Genomic context (GRCh38, chr12:132,639,175, plus strand): 5'-GAGCACTCACTGCAGGAAGAGCTTCTTCATCATGTTGTGGAGTGTGCGGTGCAGGGCAGG[G>T]TCATGAAGCAGAGAGGATGGCGACCGAAGCCAGCGGTAGAAGTGCATCACCTGGTTGTCT-3'
Protein context (NP_006222.2, residues 1824-1844): WLRSPSSLLH[Asp1834Glu]PALHRTLHNM

ClinVar aggregate classification (germline): Uncertain significance (1 of 4 stars; one submission).

Allele frequency attached by ClinVar (database versions not stated): TOPMed below 0.00001.

Submission:

Labcorp Genetics (formerly Invitae), Labcorp
Classification: Uncertain significance. Last evaluated: 2024-09-12. Review status: criteria provided, single submitter. Criteria: Invitae Variant Classification Sherloc (09022015). Collection method: clinical testing. Allele origin: germline.
Comment: This sequence change replaces aspartic acid, which is acidic and polar, with glutamic acid, which is acidic and polar, at codon 1834 of the POLE protein (p.Asp1834Glu). This variant is not present in population databases (gnomAD no frequency). This variant has not been reported in the literature in individuals affected with POLE-related conditions. Invitae Evidence Modeling of protein sequence and biophysical properties (such as structural, functional, and spatial information, amino acid conservation, physicochemical variation, residue mobility, and thermodynamic stability) indicates that this missense variant is not expected to disrupt POLE protein function with a negative predictive value of 80%. In summary, the available evidence is currently insufficient to determine the role of this variant in disease. Therefore, it has been classified as a Variant of Uncertain Significance.